The following is an entry in ClinVar:

NM_006767.4(LZTR1):c.1616-66_1724del

Gene: LZTR1 (leucine zipper like post translational regulator 1; plus strand). Cytogenetic location: 22q11.21.
Variant type: Deletion.
Coding change: c.1616-66_1724del on transcript NM_006767.4 (MANE Select); 66 bases into the intron before coding-DNA position 1616 through coding-DNA position 1724, 175 bases deleted.
Molecular consequence: splice acceptor variant.
Genome position (GRCh38, 1-based): chr22:20,994,492-20,994,666, 175 bases deleted. GRCh37 (hg19): chr22:21,348,781-21,348,955.
Identifiers: ClinVar variation 3541697 (VCV003541697.1).

ClinVar aggregate classification (germline): Uncertain significance (1 of 4 stars; one submission).

Conditions:
Hereditary cancer-predisposing syndrome. Also called: Hereditary Cancer Syndrome; Hereditary neoplastic syndrome; Tumor predisposition; Neoplastic Syndromes, Hereditary. Identifiers: Orphanet 140162, MedGen C0027672, MeSH D009386, MONDO:0015356.
Cardiovascular phenotype. Identifiers: MedGen CN230736.

Submission:

Ambry Genetics
Classification: Uncertain significance for Cardiovascular phenotype; Hereditary cancer-predisposing syndrome. Last evaluated: 2024-12-06. Review status: criteria provided, single submitter. Criteria: Ambry Variant Classification Scheme 2023. Collection method: clinical testing. Allele origin: germline.
Comment: The c.1616-66_1724del175 variant results from a deletion of 175 nucleotides between positions c.1616-66 and c.1724 and involves the canonical splice acceptor site before coding exon 15 of the LZTR1 gene. The canonical splice acceptor site is highly conserved in available vertebrate species. Alterations that disrupt the canonical splice site are expected to result in aberrant splicing. In silico splice site analysis predicts that this alteration may weaken the native splice acceptor site and may result in the creation or strengthening of a novel splice acceptor site. RNA studies have demonstrated that this alteration results in a transcript predicted to lead to a protein with an in-frame deletion of 36 amino acids and insertion of 25 novel amino acids; however, the exact functional impact of the indel is unknown at this time (Ambry internal data). Based on the available evidence, the clinical significance of this variant remains unclear.